The following is an entry in ClinVar:

NM_004655.4(AXIN2):c.397G>A (p.Ala133Thr)

Gene: AXIN2 (axin 2; minus strand). Cytogenetic location: 17q24.1.
Variant type: single nucleotide variant.
Coding change: c.397G>A on transcript NM_004655.4 (MANE Select); coding-DNA position 397, G replaced by A.
Protein change: p.Ala133Thr; replaces alanine 133 with threonine.
Molecular consequence: missense variant.
Genome position (GRCh38, 1-based): chr17:65,558,224, C>T on the plus strand (G>A on the coding strand, the complement: AXIN2 is on the minus strand). VCF-style: chr17-65558224-C-T. GRCh37 (hg19) VCF-style: chr17-63554342-C-T.
Other names: c.397G>A, p.Ala133Thr (NM_001363813.1); short protein forms A133T.
Identifiers: ClinVar variation 5032551 (VCV005032551.1).

ClinVar aggregate classification (germline): Uncertain significance (1 of 4 stars; one submission).

Conditions:
Hereditary cancer-predisposing syndrome. Also called: Neoplastic Syndromes, Hereditary; Tumor predisposition; Hereditary neoplastic syndrome; Hereditary Cancer Syndrome. Identifiers: Orphanet 140162, MedGen C0027672, MeSH D009386, MONDO:0015356.

Submission:

Ambry Genetics
Classification: Uncertain significance for Hereditary cancer-predisposing syndrome. Last evaluated: 2026-07-06. Review status: criteria provided, single submitter. Criteria: Ambry Variant Classification Scheme 2023. Collection method: clinical testing. Allele origin: germline.
Comment: The p.A133T variant (also known as c.397G>A), located in coding exon 1 of the AXIN2 gene, results from a G to A substitution at nucleotide position 397. The alanine at codon 133 is replaced by threonine, an amino acid with similar properties. This amino acid position is conserved. In addition, this alteration is predicted to be deleterious by in silico analysis. Based on the available evidence, the clinical significance of this variant remains unclear.